The following is an entry in ClinVar:

ClinVar aggregate classification (germline): Uncertain significance (1 of 4 stars; one submission).

Submission:

Ambry Genetics
Classification: Uncertain significance. Last evaluated: 2022-10-11. Review status: criteria provided, single submitter. Criteria: Ambry Variant Classification Scheme 2023. Collection method: clinical testing. Allele origin: germline.
Comment: The p.E364Q variant (also known as c.1090G>C), located in coding exon 4 of the TMPO gene, results from a G to C substitution at nucleotide position 1090. The glutamic acid at codon 364 is replaced by glutamine, an amino acid with highly similar properties. This amino acid position is conserved. In addition, this alteration is predicted to be tolerated by in silico analysis. Since supporting evidence is limited at this time, the clinical significance of this alteration remains unclear.

NM_001032283.3(TMPO):c.565+1509G>C

Gene: TMPO (thymopoietin; plus strand). Cytogenetic location: 12q23.1.
Variant type: single nucleotide variant.
Coding change: c.565+1509G>C on transcript NM_001032283.3 (MANE Select); 1509 bases into the intron after coding-DNA position 565, G replaced by C.
Molecular consequence: intron variant. On other transcripts: missense variant (1).
Genome position (GRCh38, 1-based): chr12:98,533,347, G>C. VCF-style: chr12-98533347-G-C. GRCh37 (hg19) VCF-style: chr12-98927125-G-C.
Other names: c.1090G>C, p.Glu364Gln (NM_003276.2); c.565+1509G>C (NM_001307975.2, NM_001032284.3); short protein forms E364Q.
Identifiers: ClinVar variation 1789272 (VCV001789272.2), dbSNP rs2548503487, ClinGen allele CA386152457.